The following is an entry in ClinVar:

ClinVar aggregate classification (germline): Uncertain significance (1 of 4 stars; one submission).

Conditions:
Primary ciliary dyskinesia. Also called: Ciliary dyskinesia. Identifiers: Orphanet 244, MedGen C0008780, MONDO:0016575, HP:0012265.

Allele frequency attached by ClinVar (database versions not stated): gnomAD exomes below 0.00001; gnomAD 0.00002; TOPMed 0.00003.
gnomAD v4.1: 7 of 1,613,758 alleles (0.00043%); highest among the groups gnomAD compares: African/African-American, 0.0067%; no homozygotes.

Submission:

Labcorp Genetics (formerly Invitae), Labcorp
Classification: Uncertain significance for Primary ciliary dyskinesia. Last evaluated: 2021-08-27. Review status: criteria provided, single submitter. Criteria: Invitae Variant Classification Sherloc (09022015). Collection method: clinical testing. Allele origin: germline.
Comment: This sequence change replaces lysine with glutamine at codon 2252 of the DNAH8 protein (p.Lys2252Gln). The lysine residue is highly conserved and there is a small physicochemical difference between lysine and glutamine. This variant is not present in population databases (ExAC no frequency). This variant has not been reported in the literature in individuals affected with DNAH8-related conditions. Algorithms developed to predict the effect of missense changes on protein structure and function are either unavailable or do not agree on the potential impact of this missense change (SIFT: "Deleterious"; PolyPhen-2: "Not Available"; Align-GVGD: "Class C0"). In summary, the available evidence is currently insufficient to determine the role of this variant in disease. Therefore, it has been classified as a Variant of Uncertain Significance.

NM_001206927.2(DNAH8):c.6754A>C (p.Lys2252Gln)

Gene: DNAH8 (dynein axonemal heavy chain 8; plus strand). Cytogenetic location: 6p21.2.
Variant type: single nucleotide variant.
Coding change: c.6754A>C on transcript NM_001206927.2 (MANE Select); coding-DNA position 6754, A replaced by C.
Protein change: p.Lys2252Gln; replaces lysine 2252 with glutamine.
Molecular consequence: missense variant.
Genome position (GRCh38, 1-based): chr6:38,868,122, A>C. VCF-style: chr6-38868122-A-C. GRCh37 (hg19) VCF-style: chr6-38835898-A-C.
Other names: c.6103A>C, p.Lys2035Gln (NM_001371.4); short protein forms K2252Q, K2035Q.
Identifiers: ClinVar variation 525426 (VCV000525426.6), dbSNP rs1320995212, ClinGen allele CA364025237.